The following is an entry in ClinVar:

NM_014855.3(AP5Z1):c.2054G>A (p.Arg685His)

Gene: AP5Z1 (adaptor related protein complex 5 subunit zeta 1; plus strand). Cytogenetic location: 7p22.1.
Variant type: single nucleotide variant.
Coding change: c.2054G>A on transcript NM_014855.3 (MANE Select); coding-DNA position 2054, G replaced by A.
Protein change: p.Arg685His; replaces arginine 685 with histidine.
Molecular consequence: missense variant. On other transcripts: non-coding transcript variant (1).
Genome position (GRCh38, 1-based): chr7:4,790,788, G>A. VCF-style: chr7-4790788-G-A. GRCh37 (hg19) VCF-style: chr7-4830419-G-A.
Other names: c.1586G>A, p.Arg529His (NM_001364858.1); short protein forms R529H, R685H.
Identifiers: ClinVar variation 1312480 (VCV001312480.4), dbSNP rs371817388, ClinGen allele CA4138278.
Genomic context (GRCh38, chr7:4,790,788, plus strand): 5'-AGCAGATCAACAAGTTCTTCGAAGCCCTGGAGGCTCTGCTATTCGAGGTCACCCAGTGCC[G>A]CCCCTCTGCTGCCCTGCCCAGGTGTCCCCCCCAGGTGGTCACCGTGCTGATGACCACGCT-3'
Protein context (NP_055670.1, residues 675-695): EALLFEVTQC[Arg685His]PSAALPRCPP

ClinVar aggregate classification (germline): Uncertain significance. Review status: criteria provided, multiple submitters, no conflicts (2 of 4 stars). 3 submissions from 3 submitters: Uncertain significance (3). Last evaluated 2025-08-12.

Conditions:
Hereditary spastic paraplegia 48. Also called: Spastic paraplegia 48; SPASTIC PARAPLEGIA 48, AUTOSOMAL RECESSIVE. Identifiers: Orphanet 306511, MedGen C3150901, MONDO:0013342, OMIM 613647.
Inborn genetic diseases. Identifiers: MedGen C0950123, MeSH D030342.

Allele frequency attached by ClinVar (database versions not stated): ExAC 0.00004; gnomAD exomes 0.00004; ESP Exome Variant Server 0.00008.
gnomAD v4.1: 43 of 1,608,656 alleles (0.0027%); highest among the groups gnomAD compares: Admixed American, 0.0084%; no homozygotes.

Submissions (3):

Ambry Genetics
Classification: Uncertain significance for Inborn genetic diseases. Last evaluated: 2025-08-12. Review status: criteria provided, single submitter. Criteria: Ambry Variant Classification Scheme 2023. Collection method: clinical testing. Allele origin: germline.

Labcorp Genetics (formerly Invitae), Labcorp
Classification: Uncertain significance for Hereditary spastic paraplegia 48. Last evaluated: 2022-08-22. Review status: criteria provided, single submitter. Criteria: Invitae Variant Classification Sherloc (09022015). Collection method: clinical testing. Allele origin: germline.
Comment: This sequence change replaces arginine, which is basic and polar, with histidine, which is basic and polar, at codon 685 of the AP5Z1 protein (p.Arg685His). This variant is present in population databases (rs371817388, gnomAD 0.02%). This variant has not been reported in the literature in individuals affected with AP5Z1-related conditions. ClinVar contains an entry for this variant (Variation ID: 1312480). Algorithms developed to predict the effect of missense changes on protein structure and function are either unavailable or do not agree on the potential impact of this missense change (SIFT: "Deleterious"; PolyPhen-2: "Probably Damaging"; Align-GVGD: "Class C0"). In summary, the available evidence is currently insufficient to determine the role of this variant in disease. Therefore, it has been classified as a Variant of Uncertain Significance.

GeneDx
Classification: Uncertain significance. Last evaluated: 2019-09-24. Review status: criteria provided, single submitter. Criteria: GeneDx Variant Classification Process June 2021. Collection method: clinical testing. Allele origin: germline. Affected: yes.
Comment: Not observed at a significant frequency in large population cohorts (Lek et al., 2016); In silico analysis, which includes protein predictors and evolutionary conservation, supports that this variant does not alter protein structure/function; Has not been previously published as pathogenic or benign to our knowledge